The following is an entry in ClinVar:

NM_001011551.3(C1GALT1C1):c.202C>T (p.Arg68Ter)

Gene: C1GALT1C1 (C1GALT1 specific chaperone 1; minus strand). Cytogenetic location: Xq24.
Variant type: single nucleotide variant.
Coding change: c.202C>T on transcript NM_001011551.3 (MANE Select); coding-DNA position 202, C replaced by T.
Protein change: p.Arg68Ter; replaces arginine 68 with a stop codon.
Molecular consequence: nonsense.
Genome position (GRCh38, 1-based): chrX:120,626,965, G>A on the plus strand (C>T on the coding strand, the complement: C1GALT1C1 is on the minus strand). VCF-style: chrX-120626965-G-A. GRCh37 (hg19) VCF-style: chrX-119760820-G-A.
Other names: C1GALT1C1, ARG68TER; c.202C>T, p.Arg68Ter (NM_152692.5); short protein forms R68*.
Identifiers: ClinVar variation 10791 (VCV000010791.2), dbSNP rs137853598, ClinGen allele CA121171.

ClinVar aggregate classification (germline): Pathogenic. Review status: criteria provided, single submitter (1 of 4 stars). 2 submissions from 2 submitters: Pathogenic (1). 1 of the submissions does not count toward it. Last evaluated 2019-02-14.

Conditions:
Polyagglutinable erythrocyte syndrome (TNPS). Also called: GALACTOSYLTRANSFERASE DEFICIENCY; TN POLYAGGLUTINATION SYNDROME; TN POLYAGGLUTINATION SYNDROME, SOMATIC. Identifiers: MedGen C0272137, MONDO:0010381, OMIM 300622.

Allele frequency attached by ClinVar (database versions not stated): ExAC below 0.00001.

Submissions (2):

Rady Children's Institute for Genomic Medicine, Rady Children's Hospital San Diego
Classification: Pathogenic for TN POLYAGGLUTINATION SYNDROME. Last evaluated: 2019-02-14. Review status: criteria provided, single submitter. Criteria: ACMG Guidelines, 2015. Collection method: clinical testing. Allele origin: germline. Affected: yes. Observed: 1 variant allele.
Comment: This nonsense variant found in exon 3 of 3 is predicted to result in loss of normal protein function. This variant has been previously reported as a somatic change in patients with Tn Syndrome (PMID: 16251947). Functional characterization of the p.Arg68Ter indicated that the mutant protein resulted in less than 10% of T-synthase activity relative to wild type (PMID: 16251947). It is absent from the ExAC and gnomAD population databases and thus is presumed to be rare. Based on the available evidence, the c.202C>T, p.Arg68Ter variant is classified as Pathogenic.

OMIM
Classification: Pathogenic for TN POLYAGGLUTINATION SYNDROME, SOMATIC. Last evaluated: 2005-10-27. Review status: no assertion criteria provided. Collection method: literature only. Allele origin: somatic. Not counted in ClinVar's aggregate classification.

Literature cited by the submitters: PubMed 16251947 (cited by OMIM).